The following is an entry in ClinVar:

NM_002691.4(POLD1):c.2464_2467delinsCTT (p.Asp822fs)

Gene: POLD1 (DNA polymerase delta 1, catalytic subunit; plus strand). Cytogenetic location: 19q13.33.
Variant type: Indel.
Coding change: c.2464_2467delinsCTT on transcript NM_002691.4 (MANE Select); coding-DNA positions 2464 to 2467, GACC replaced by CTT.
Protein change: p.Asp822fs; shifts the reading frame from aspartic acid 822.
Molecular consequence: frameshift variant. On other transcripts: non-coding transcript variant (1).
Genome position (GRCh38, 1-based): chr19:50,414,890-50,414,893, GACC replaced by CTT. VCF-style: chr19-50414890-GACC-CTT. GRCh37 (hg19) VCF-style: chr19-50918147-GACC-CTT.
Other names: c.2464_2467delinsCTT, p.Asp822fs (NM_001256849.1, NM_001438212.1, NM_001438213.1); c.2542_2545delinsCTT, p.Asp848fs (NM_001308632.1); c.2392_2395delinsCTT, p.Asp798fs (NM_001438210.1, NM_001438211.1); short protein forms D848fs, D798fs, D822fs.
Identifiers: ClinVar variation 4140986 (VCV004140986.1).

ClinVar aggregate classification (germline): Uncertain significance (1 of 4 stars; one submission).

Conditions:
Hereditary cancer-predisposing syndrome. Also called: Hereditary neoplastic syndrome; Neoplastic Syndromes, Hereditary; Tumor predisposition; Hereditary Cancer Syndrome. Identifiers: Orphanet 140162, MedGen C0027672, MeSH D009386, MONDO:0015356.

Submission:

Ambry Genetics
Classification: Uncertain significance for Hereditary cancer-predisposing syndrome. Last evaluated: 2025-06-27. Review status: criteria provided, single submitter. Criteria: Ambry Variant Classification Scheme 2023. Collection method: clinical testing. Allele origin: germline.
Comment: The c.2464_2467delGACCinsCTT variant, located in coding exon 19 of the POLD1 gene, results from the deletion of 4 nucleotides and insertion of 3 nucleotides causing a translational frameshift with a predicted alternate stop codon (p.D822Lfs*66). This alteration is expected to result in protein truncation or nonsense-mediated mRNA decay. However, loss of function of POLD1 has not been established as a mechanism of disease. Based on the available evidence, the clinical significance of this alteration remains unclear.